The following is an entry in ClinVar:

NM_001253852.3(AP4B1):c.2165G>C (p.Ser722Thr)

Genes: AP4B1 (adaptor related protein complex 4 subunit beta 1; minus strand), AP4B1-AS1 (AP4B1 antisense RNA 1; plus strand). Cytogenetic location: 1p13.2.
Variant type: single nucleotide variant.
Coding change: c.2165G>C on transcript NM_001253852.3 (MANE Select); coding-DNA position 2165, G replaced by C.
Protein change: p.Ser722Thr; replaces serine 722 with threonine.
Molecular consequence: missense variant.
Genome position (GRCh38, 1-based): chr1:113,895,120, C>G on the plus strand (G>C on the coding strand, the complement: AP4B1 is on the minus strand). VCF-style: chr1-113895120-C-G. GRCh37 (hg19) VCF-style: chr1-114437742-C-G.
Other names: c.1868G>C, p.Ser623Thr (NM_001253853.3); c.1661G>C, p.Ser554Thr (NM_001308312.2); c.2165G>C, p.Ser722Thr (NM_006594.5); short protein forms S722T, S554T, S623T.
Identifiers: ClinVar variation 588481 (VCV000588481.5), dbSNP rs1558076040, ClinGen allele CA341705948.
Genomic context (GRCh38, chr1:113,895,120, plus strand): 5'-CTCTGTTATGATTTTATTTCTTCAATTGTTCCAATCACAGTTTCTAATACAGAAATAAAA[C>G]TATTCAGCGTCTCCGTTCTTGCTTCATTTTGTTTCACAGAGATCTGCATTTCTGAGTTTC-3'
Protein context (NP_001240781.1, residues 712-732): QNEARTETLN[Ser722Thr]FISVLETVIG

ClinVar aggregate classification (germline): Uncertain significance (1 of 4 stars; one submission).

Conditions:
Inborn genetic diseases. Identifiers: MedGen C0950123, MeSH D030342.

Submission:

Ambry Genetics
Classification: Uncertain significance for Inborn genetic diseases. Last evaluated: 2016-11-22. Review status: criteria provided, single submitter. Criteria: Ambry Variant Classification Scheme 2023. Collection method: clinical testing. Allele origin: germline.
Comment: The p.S722T variant (also known as c.2165G>C), located in coding exon 10 of the AP4B1 gene, results from a G to C substitution at nucleotide position 2165. The serine at codon 722 is replaced by threonine, an amino acid with similar properties. This variant was not reported in population based cohorts in the following databases: Database of Single Nucleotide Polymorphisms (dbSNP), NHLBI Exome Sequencing Project (ESP), and 1000 Genomes Project. In the ESP, this variant was not observed in 6503 samples (13006 alleles) with coverage at this position. This amino acid position is not conserved on species alignment. In addition, this alteration is predicted to be tolerated by in silico analysis. Since supporting evidence is limited at this time, the clinical significance of this variant remains unclear.